The following is an entry in ClinVar:

ClinVar aggregate classification (germline): Uncertain significance. Review status: criteria provided, multiple submitters, no conflicts (2 of 4 stars). 2 submissions from 2 submitters: Uncertain significance (2). Last evaluated 2023-01-01.

Conditions:
Progressive familial heart block type IB (PFHB1B). Identifiers: Orphanet 871, MedGen C1970298, MONDO:0011474, OMIM 604559.
Cardiovascular phenotype. Identifiers: MedGen CN230736.

Submissions (2):

Labcorp Genetics (formerly Invitae), Labcorp
Classification: Uncertain significance for Progressive familial heart block type IB. Last evaluated: 2023-01-01. Review status: criteria provided, single submitter. Criteria: Invitae Variant Classification Sherloc (09022015). Collection method: clinical testing. Allele origin: germline.
Comment: This sequence change creates a premature translational stop signal (p.Leu1209*) in the TRPM4 gene. While this is not anticipated to result in nonsense mediated decay, it is expected to disrupt the last 6 amino acid(s) of the TRPM4 protein. This variant is not present in population databases (gnomAD no frequency). This variant has not been reported in the literature in individuals affected with TRPM4-related conditions. Experimental studies and prediction algorithms are not available or were not evaluated, and the functional significance of this variant is currently unknown. In summary, the available evidence is currently insufficient to determine the role of this variant in disease. Therefore, it has been classified as a Variant of Uncertain Significance.

Ambry Genetics
Classification: Uncertain significance for Cardiovascular phenotype. Last evaluated: 2022-11-02. Review status: criteria provided, single submitter. Criteria: Ambry Variant Classification Scheme 2023. Collection method: clinical testing. Allele origin: germline.
Comment: The c.3621_3624dupTGAC variant, located in coding exon 24 of the TRPM4 gene, results from a duplication of TGAC at nucleotide position 3621, causing a translational frameshift with a predicted alternate stop codon (p.L1209*). This alteration is expected to result in protein truncation or nonsense-mediated mRNA decay. However, loss of function of TRPM4 has not been established as a mechanism of disease. Since supporting evidence is limited at this time, the clinical significance of this alteration remains unclear.

NM_017636.4(TRPM4):c.3621_3624dup (p.Leu1209Ter)

Gene: TRPM4 (transient receptor potential cation channel subfamily M member 4; plus strand). Cytogenetic location: 19q13.33.
Variant type: Duplication.
Coding change: c.3621_3624dup on transcript NM_017636.4 (MANE Select); coding-DNA positions 3621 to 3624, 4 bases duplicated (TGAC; older notation c.3621_3624dupTGAC).
Protein change: p.Leu1209Ter; replaces leucine 1209 with a stop codon.
Molecular consequence: nonsense.
Genome position (GRCh38, 1-based): chr19:49,211,250-49,211,253, TGAC duplicated; duplicating any 4 consecutive bases within chr19:49,211,249-49,211,253 gives the same sequence; the c. name uses the placement nearest the transcript's 3' end. VCF-style (leftmost placement, unchanged base first): chr19-49211248-C-CCTGA. GRCh37 (hg19) VCF-style: chr19-49714505-C-CCTGA.
Other names: c.3186_3189dup, p.Leu1064Ter (NM_001195227.2); c.3276_3279dup, p.Leu1094Ter (NM_001321281.2); c.2013_2016dup, p.Leu673Ter (NM_001321282.2); c.3099_3102dup, p.Leu1035Ter (NM_001321283.2); c.2559_2562dup, p.Leu855Ter (NM_001321285.2); short protein forms L1064*, L1035*, L1209*, L1094*, L673*, L855*.
Identifiers: ClinVar variation 2497046 (VCV002497046.5), dbSNP rs1969359818, ClinGen allele CA2340294803.